The following is an entry in ClinVar:

NM_030962.4(SBF2):c.3632C>G (p.Ser1211Cys)

Gene: SBF2 (SET binding factor 2; minus strand). Cytogenetic location: 11p15.4.
Variant type: single nucleotide variant.
Coding change: c.3632C>G on transcript NM_030962.4 (MANE Select); coding-DNA position 3632, C replaced by G.
Protein change: p.Ser1211Cys; replaces serine 1211 with cysteine.
Molecular consequence: missense variant.
Genome position (GRCh38, 1-based): chr11:9,832,244, G>C on the plus strand (C>G on the coding strand, the complement: SBF2 is on the minus strand). VCF-style: chr11-9832244-G-C. GRCh37 (hg19) VCF-style: chr11-9853791-G-C.
Other names: c.3632C>G, p.Ser1211Cys (NM_001386339.1); c.3503C>G, p.Ser1168Cys (NM_001386342.1); short protein forms S1168C, S1211C.
Identifiers: ClinVar variation 1059979 (VCV001059979.9), dbSNP rs1356162033, ClinGen allele CA379645496.

ClinVar aggregate classification (germline): Uncertain significance (1 of 4 stars; one submission).

Conditions:
Charcot-Marie-Tooth disease type 4. Also called: Charcot-Marie-Tooth, Type 4; Charcot-Marie-Tooth disease, type IV. Identifiers: Orphanet 64749, MedGen C4082197, MONDO:0018995.

Allele frequency attached by ClinVar (database versions not stated): gnomAD exomes 0.00001.
gnomAD v4.1: 8 of 1,592,440 alleles (0.0005%); highest among the groups gnomAD compares: East Asian, 0.0023%; no homozygotes.

Submission:

Labcorp Genetics (formerly Invitae), Labcorp
Classification: Uncertain significance for Charcot-Marie-Tooth disease type 4. Last evaluated: 2020-09-26. Review status: criteria provided, single submitter. Criteria: Invitae Variant Classification Sherloc (09022015). Collection method: clinical testing. Allele origin: germline.
Comment: In summary, the available evidence is currently insufficient to determine the role of this variant in disease. Therefore, it has been classified as a Variant of Uncertain Significance. Algorithms developed to predict the effect of missense changes on protein structure and function are either unavailable or do not agree on the potential impact of this missense change (SIFT: "Deleterious"; PolyPhen-2: "Possibly Damaging"; Align-GVGD: "Class C0"). This variant has not been reported in the literature in individuals with SBF2-related conditions. This variant is not present in population databases (ExAC no frequency). This sequence change replaces serine with cysteine at codon 1211 of the SBF2 protein (p.Ser1211Cys). The serine residue is moderately conserved and there is a moderate physicochemical difference between serine and cysteine.